The following is an entry in ClinVar:

ClinVar aggregate classification (germline): Pathogenic/Likely pathogenic. Review status: criteria provided, multiple submitters, no conflicts (2 of 4 stars). 2 submissions from 2 submitters: Pathogenic (1); Likely pathogenic (1). Last evaluated 2024-02-06.

Conditions:
Atypical hemolytic-uremic syndrome with MCP/CD46 anomaly. Also called: HEMOLYTIC UREMIC SYNDROME, ATYPICAL, SUSCEPTIBILITY TO, 2; AHUS, SUSCEPTIBILITY TO, 2. Identifiers: Orphanet 2134, MedGen C2752040, MONDO:0013040, OMIM 612922.

Submissions (2):

MVZ Medizinische Genetik Mainz
Classification: Pathogenic for Atypical hemolytic-uremic syndrome with MCP/CD46 anomaly. Last evaluated: 2024-02-06. Review status: criteria provided, single submitter. Criteria: UK Practice Guidelines For Variant Classification V4 01 2020. Collection method: clinical testing. Allele origin: germline. Inheritance: Autosomal dominant inheritance. Affected: yes. Observed: 1 variant allele.
Comment: ACMG Criteria: PVS1,PS4_SUP,PM2_SUP

Mayo Clinic Laboratories, Mayo Clinic
Classification: Likely pathogenic. Last evaluated: 2019-12-27. Review status: criteria provided, single submitter. Criteria: ACMG Guidelines, 2015. Collection method: clinical testing. Allele origin: germline. Observed: 1 variant allele.
Comment: PVS1, PM2

NM_172351.3(CD46):c.153del (p.Lys51fs)

Gene: CD46 (CD46 molecule; plus strand). Cytogenetic location: 1q32.2.
Variant type: Deletion.
Coding change: c.153del on transcript NM_172351.3 (MANE Select); coding-DNA position 153, one base deleted (A; older notation c.153delA).
Protein change: p.Lys51fs; shifts the reading frame from lysine 51.
Molecular consequence: frameshift variant.
Genome position (GRCh38, 1-based): chr1:207,757,069, A deleted; the last of 4 consecutive A bases (chr1:207,757,066-207,757,069); deleting any one gives the same sequence. VCF-style (leftmost placement, unchanged base first): chr1-207757065-CA-C. GRCh37 (hg19) VCF-style: chr1-207930410-CA-C.
Other names: c.153delA (NM_002389.4); c.153del, p.Lys51fs (NM_002389.4, NM_153826.4, NM_172350.3 and 8 more transcripts); short protein forms K51fs.
Identifiers: ClinVar variation 1163186 (VCV001163186.6), dbSNP rs2102538157, ClinGen allele CA2499214420.